The following is an entry in ClinVar:

NM_001378454.1(ALMS1):c.3641A>C (p.Glu1214Ala)

Gene: ALMS1 (ALMS1 centrosome and basal body associated protein; plus strand). Cytogenetic location: 2p13.1.
Variant type: single nucleotide variant.
Coding change: c.3641A>C on transcript NM_001378454.1 (MANE Select); coding-DNA position 3641, A replaced by C.
Protein change: p.Glu1214Ala; replaces glutamic acid 1214 with alanine.
Molecular consequence: missense variant.
Genome position (GRCh38, 1-based): chr2:73,450,168, A>C. VCF-style: chr2-73450168-A-C. GRCh37 (hg19) VCF-style: chr2-73677295-A-C.
Other names: c.3644A>C, p.Glu1215Ala (NM_015120.4); short protein forms E1214A, E1215A.
Identifiers: ClinVar variation 1733535 (VCV001733535.2), dbSNP rs2466098892, ClinGen allele CA347276107.

ClinVar aggregate classification (germline): Uncertain significance (1 of 4 stars; one submission).

Conditions:
Cardiovascular phenotype. Identifiers: MedGen CN230736.

Allele frequency attached by ClinVar (database versions not stated): gnomAD exomes below 0.00001.
gnomAD v4.1: 1 of 1,614,106 alleles (0.000062%); highest among the groups gnomAD compares: Non-Finnish European, 0.000085%; no homozygotes.

Submission:

Ambry Genetics
Classification: Uncertain significance for Cardiovascular phenotype. Last evaluated: 2021-09-10. Review status: criteria provided, single submitter. Criteria: Ambry Variant Classification Scheme 2023. Collection method: clinical testing. Allele origin: germline.
Comment: The p.E1215A variant (also known as c.3644A>C), located in coding exon 8 of the ALMS1 gene, results from an A to C substitution at nucleotide position 3644. The glutamic acid at codon 1215 is replaced by alanine, an amino acid with dissimilar properties. This amino acid position is not well conserved in available vertebrate species. In addition, this alteration is predicted to be tolerated by in silico analysis. Since supporting evidence is limited at this time, the clinical significance of this alteration remains unclear.